The following is an entry in ClinVar:

ClinVar aggregate classification (germline): Likely benign (0 of 4 stars; one submission).

Conditions:
AUTS2-related disorder. Also called: AUTS2-related condition.

Allele frequency attached by ClinVar (database versions not stated): TOPMed below 0.00001; gnomAD exomes 0.00001; ExAC 0.00002.
gnomAD v4.1: 10 of 1,595,156 alleles (0.00063%); highest among the groups gnomAD compares: Admixed American, 0.0053%; no homozygotes.

Submission:

PreventionGenetics, part of Exact Sciences
Classification: Likely benign for AUTS2-related condition. Last evaluated: 2023-12-28. Review status: no assertion criteria provided. Collection method: clinical testing. Allele origin: germline.
Comment: This variant is classified as likely benign based on ACMG/AMP sequence variant interpretation guidelines (Richards et al. 2015 PMID: 25741868, with internal and published modifications).

NM_015570.4(AUTS2):c.2892G>A (p.Pro964=)

Gene: AUTS2 (activator of transcription and developmental regulator AUTS2; plus strand). Cytogenetic location: 7q11.22.
Variant type: single nucleotide variant.
Coding change: c.2892G>A on transcript NM_015570.4 (MANE Select); coding-DNA position 2892, G replaced by A.
Protein change: p.Pro964=; no amino-acid change (proline 964 retained).
Molecular consequence: synonymous variant.
Genome position (GRCh38, 1-based): chr7:70,790,108, G>A. VCF-style: chr7-70790108-G-A. GRCh37 (hg19) VCF-style: chr7-70255094-G-A.
Other names: c.2820G>A, p.Pro940= (NM_001127231.3).
Identifiers: ClinVar variation 3058736 (VCV003058736.2), dbSNP rs766276304, ClinGen allele CA4281213.